The following is an entry in ClinVar:

ClinVar aggregate classification (germline): Uncertain significance (1 of 4 stars; one submission).

gnomAD v4.1: 1 of 1,613,996 alleles (0.000062%); highest among the groups gnomAD compares: Admixed American, 0.0017%; no homozygotes.

Submission:

GeneDx
Classification: Uncertain significance. Last evaluated: 2024-01-09. Review status: criteria provided, single submitter. Criteria: GeneDx Variant Classification Process June 2021. Collection method: clinical testing. Allele origin: germline. Affected: yes.
Comment: Not observed at significant frequency in large population cohorts (gnomAD); In silico analysis supports that this missense variant does not alter protein structure/function; Has not been previously published as pathogenic or benign to our knowledge

NM_144687.4(NLRP12):c.1891A>G (p.Ser631Gly)

Gene: NLRP12 (NLR family pyrin domain containing 12; minus strand). Cytogenetic location: 19q13.42.
Variant type: single nucleotide variant.
Coding change: c.1891A>G on transcript NM_144687.4 (MANE Select); coding-DNA position 1891, A replaced by G.
Protein change: p.Ser631Gly; replaces serine 631 with glycine.
Molecular consequence: missense variant.
Genome position (GRCh38, 1-based): chr19:53,809,768, T>C on the plus strand (A>G on the coding strand, the complement: NLRP12 is on the minus strand). VCF-style: chr19-53809768-T-C. GRCh37 (hg19) VCF-style: chr19-54313022-T-C.
Other names: c.1891A>G, p.Ser631Gly (NM_001277126.2, NM_001277129.1); short protein forms S631G.
Identifiers: ClinVar variation 3367741 (VCV003367741.1).